The following is an entry in ClinVar:

ClinVar aggregate classification (germline): Uncertain significance. Review status: criteria provided, multiple submitters, no conflicts (2 of 4 stars). 2 submissions from 2 submitters: Uncertain significance (2). Last evaluated 2026-01-09.

Conditions:
Pseudohypoaldosteronism type 2C (PHA2C). Also called: Pseudohypoaldosteronism Type IIC. Identifiers: Orphanet 757, Orphanet 88940, MedGen C1840391, MONDO:0013778, OMIM 614492.
Neuropathy, hereditary sensory and autonomic, type 2A (HSAN2A). Also called: ACROOSTEOLYSIS, GIACCAI TYPE; ACROOSTEOLYSIS, NEUROGENIC; MORVAN DISEASE; NEUROPATHY, CONGENITAL SENSORY; NEUROPATHY, HEREDITARY SENSORY RADICULAR, AUTOSOMAL RECESSIVE; NEUROPATHY, HEREDITARY SENSORY, TYPE IIA. Identifiers: Orphanet 970, MedGen C2752089, MONDO:0024309, OMIM 201300.

Allele frequency attached by ClinVar (database versions not stated): gnomAD 0.00001; TOPMed 0.00001; ExAC 0.00002; gnomAD exomes 0.00002.
gnomAD v4.1: 27 of 1,613,746 alleles (0.0017%); highest among the groups gnomAD compares: Admixed American, 0.0033%; no homozygotes.

Submissions (2):

Labcorp Genetics (formerly Invitae), Labcorp
Classification: Uncertain significance for Neuropathy, hereditary sensory and autonomic, type 2A; Pseudohypoaldosteronism type 2C. Last evaluated: 2026-01-09. Review status: criteria provided, single submitter. Criteria: Invitae Variant Classification Sherloc (09022015). Collection method: clinical testing. Allele origin: germline.
Comment: This sequence change replaces alanine, which is neutral and non-polar, with valine, which is neutral and non-polar, at codon 803 of the WNK1 protein (p.Ala803Val). This variant is present in population databases (rs774021513, gnomAD 0.009%). This variant has not been reported in the literature in individuals affected with WNK1-related conditions. ClinVar contains an entry for this variant (Variation ID: 1001527). Invitae Evidence Modeling of protein sequence and biophysical properties (such as structural, functional, and spatial information, amino acid conservation, physicochemical variation, residue mobility, and thermodynamic stability) indicates that this missense variant is not expected to disrupt WNK1 protein function with a negative predictive value of 95%. In summary, the available evidence is currently insufficient to determine the role of this variant in disease. Therefore, it has been classified as a Variant of Uncertain Significance.

Fulgent Genetics
Classification: Uncertain significance for Neuropathy, hereditary sensory and autonomic, type 2A; Pseudohypoaldosteronism type 2C. Last evaluated: 2021-12-01. Review status: criteria provided, single submitter. Criteria: ACMG Guidelines, 2015. Collection method: clinical testing. Allele origin: unknown.

NM_213655.5(WNK1):c.2408C>T (p.Ala803Val)

Gene: WNK1 (WNK lysine deficient protein kinase 1; plus strand). Cytogenetic location: 12p13.33.
Variant type: single nucleotide variant.
Coding change: c.2408C>T on transcript NM_213655.5 (MANE Plus Clinical); coding-DNA position 2408, C replaced by T.
Protein change: p.Ala803Val; replaces alanine 803 with valine.
Molecular consequence: missense variant. On other transcripts: intron variant (2).
Genome position (GRCh38, 1-based): chr12:867,879, C>T. VCF-style: chr12-867879-C-T. GRCh37 (hg19) VCF-style: chr12-977045-C-T.
Other names: c.2153C>T, p.Ala718Val (NM_001184985.2); c.2140-3386C>T (NM_018979.4, NM_014823.3); short protein forms A718V, A803V.
Identifiers: ClinVar variation 1001527 (VCV001001527.7), dbSNP rs774021513, ClinGen allele CA6382170.